The following is an entry in ClinVar:

NM_000321.3(RB1):c.2607T>G (p.Pro869=)

Gene: RB1 (RB transcriptional corepressor 1; plus strand). Cytogenetic location: 13q14.2.
Variant type: single nucleotide variant.
Coding change: c.2607T>G on transcript NM_000321.3 (MANE Select); coding-DNA position 2607, T replaced by G.
Protein change: p.Pro869=; no amino-acid change (proline 869 retained).
Molecular consequence: synonymous variant.
Genome position (GRCh38, 1-based): chr13:48,476,787, T>G. VCF-style: chr13-48476787-T-G. GRCh37 (hg19) VCF-style: chr13-49050923-T-G.
Identifiers: ClinVar variation 821540 (VCV000821540.15), dbSNP rs762588468, ClinGen allele CA036333.

ClinVar aggregate classification (germline): Likely benign. Review status: criteria provided, multiple submitters, no conflicts (2 of 4 stars). 4 submissions from 4 submitters: Likely benign (4). Last evaluated 2025-12-13.

Conditions:
Hereditary cancer-predisposing syndrome. Also called: Tumor predisposition; Hereditary Cancer Syndrome; Neoplastic Syndromes, Hereditary; Hereditary neoplastic syndrome. Identifiers: Orphanet 140162, MedGen C0027672, MeSH D009386, MONDO:0015356.
Retinoblastoma (RB1). Also called: RETINOBLASTOMA, SOMATIC. Identifiers: Orphanet 790, MedGen C0035335, MeSH D012175, MONDO:0008380, OMIM 180200, HP:0009919. Disease mechanism: loss of function. Inheritance: Both sporadic and heritable forms are tested..

Allele frequency attached by ClinVar (database versions not stated): gnomAD exomes below 0.00001 and 0.00001; ExAC 0.00001; gnomAD 0.00001; TOPMed 0.00002.
gnomAD v4.1: 9 of 1,613,600 alleles (0.00056%); highest among the groups gnomAD compares: Non-Finnish European, 0.00076%; no homozygotes.

Submissions (4):

Labcorp Genetics (formerly Invitae), Labcorp
Classification: Likely benign for Retinoblastoma. Last evaluated: 2025-12-13. Review status: criteria provided, single submitter. Criteria: Invitae Variant Classification Sherloc (09022015). Collection method: clinical testing. Allele origin: germline.

All of Us Research Program, National Institutes of Health
Classification: Likely benign for Retinoblastoma. Last evaluated: 2023-06-26. Review status: criteria provided, single submitter. Criteria: ACMG Guidelines, 2015. Collection method: clinical testing. Allele origin: germline. Inheritance: Autosomal dominant inheritance. Observed: 3 variant alleles, 3 heterozygotes.
Comment: This study involves interpretation of variants in research participants for the purpose of population health screening. Participant phenotype was not available at the time of variant classification. Additional details can be found in publication PMID: 35346344, PMCID: PMC8962531

Sema4
Classification: Likely benign for Hereditary cancer-predisposing syndrome. Last evaluated: 2022-02-07. Review status: criteria provided, single submitter. Criteria: Sema4 Curation Guidelines. Collection method: curation. Allele origin: germline.

Ambry Genetics
Classification: Likely benign for Hereditary cancer-predisposing syndrome. Last evaluated: 2019-07-31. Review status: criteria provided, single submitter. Criteria: Ambry Variant Classification Scheme 2023. Collection method: clinical testing. Allele origin: germline.